The following is an entry in ClinVar:

NM_003072.5(SMARCA4):c.1189C>T (p.Arg397Ter)

Gene: SMARCA4 (SWI/SNF related BAF chromatin remodeling complex subunit ATPase 4; plus strand). Cytogenetic location: 19p13.2.
Variant type: single nucleotide variant.
Coding change: c.1189C>T on transcript NM_003072.5 (MANE Select); coding-DNA position 1189, C replaced by T.
Protein change: p.Arg397Ter; replaces arginine 397 with a stop codon.
Molecular consequence: nonsense. On other transcripts: non-coding transcript variant (1).
Genome position (GRCh38, 1-based): chr19:10,989,387, C>T. VCF-style: chr19-10989387-C-T. GRCh37 (hg19) VCF-style: chr19-11100063-C-T.
Other names: c.1189C>T, p.Arg397Ter (NM_001128844.3, NM_001128845.2, NM_001128846.2 and 5 more transcripts); c.1189C>T (NM_003072.3); short protein forms R397*.
Identifiers: ClinVar variation 661795 (VCV000661795.10), dbSNP rs1295192121, ClinGen allele CA404059622.

ClinVar aggregate classification (germline): Pathogenic. Review status: criteria provided, multiple submitters, no conflicts (2 of 4 stars). 3 submissions from 3 submitters: Pathogenic (3). Last evaluated 2024-07-02.

Conditions:
Rhabdoid tumor predisposition syndrome 2 (RTPS2). Identifiers: Orphanet 231108, Orphanet 69077, MedGen C2750074, MONDO:0013224, OMIM 613325.
Hereditary cancer-predisposing syndrome. Also called: Neoplastic Syndromes, Hereditary; Tumor predisposition; Hereditary neoplastic syndrome; Hereditary Cancer Syndrome. Identifiers: Orphanet 140162, MedGen C0027672, MeSH D009386, MONDO:0015356.

Submissions (3):

Ambry Genetics
Classification: Pathogenic for Hereditary cancer-predisposing syndrome. Last evaluated: 2024-07-02. Review status: criteria provided, single submitter. Criteria: Ambry Variant Classification Scheme 2023. Collection method: clinical testing. Allele origin: germline.
Comment: The p.R397* pathogenic mutation (also known as c.1189C>T), located in coding exon 6 of the SMARCA4 gene, results from a C to T substitution at nucleotide position 1189. This changes the amino acid from an arginine to a stop codon within coding exon 6. This alteration was identified in an individual diagnosed with a small cell carcinoma of the ovary, hypercalcemic type (SCCOHT) (Podwika SE et al. Gynecol Oncol Rep, 2020 May;32:100569). This variant is considered to be rare based on population cohorts in the Genome Aggregation Database (gnomAD). Loss-of-function variants in SMARCA4 are known to cause rhabdoid tumor predisposition syndrome including small cell carcinoma of the ovary-hypercalcemic type (SCCOHT); however, such associations with neurodevelopmental disorders are exceedingly rare (Kosho T et al. Am J Med Genet C Semin Med Genet. 2014 Sep;166C(3):262-75; Jelinic P et al. Nat Genet. 2014 May;46(5):424-6). Based on the supporting evidence, this alteration is pathogenic for rhabdoid tumor predisposition syndrome; however, the association of this alteration with Coffin-Siris syndrome is unlikely.

Labcorp Genetics (formerly Invitae), Labcorp
Classification: Pathogenic for Rhabdoid tumor predisposition syndrome 2. Last evaluated: 2024-04-14. Review status: criteria provided, single submitter. Criteria: Invitae Variant Classification Sherloc (09022015). Collection method: clinical testing. Allele origin: germline.
Comment: This sequence change creates a premature translational stop signal (p.Arg397*) in the SMARCA4 gene. It is expected to result in an absent or disrupted protein product. Loss-of-function variants in SMARCA4 are known to be pathogenic (PMID: 24658001, 24658002). This variant is not present in population databases (gnomAD no frequency). This variant has not been reported in the literature in individuals affected with SMARCA4-related conditions. ClinVar contains an entry for this variant (Variation ID: 661795). For these reasons, this variant has been classified as Pathogenic.

Molecular Pathology, Peter Maccallum Cancer Centre
Classification: Pathogenic for Rhabdoid tumor predisposition syndrome 2. Last evaluated: 2024-04-04. Review status: criteria provided, single submitter. Criteria: ACMG Guidelines, 2015. Collection method: clinical testing. Allele origin: germline. Inheritance: Autosomal dominant inheritance.

Literature cited by the submitters: PubMed 32382648 (cited by Ambry Genetics); PubMed 24658001 (cited by Labcorp Genetics (formerly Invitae), Labcorp); PubMed 24658002 (cited by Labcorp Genetics (formerly Invitae), Labcorp).